The following is an entry in ClinVar:

ClinVar aggregate classification (germline): Uncertain significance. Review status: criteria provided, multiple submitters, no conflicts (2 of 4 stars). 3 submissions from 3 submitters: Uncertain significance (3). Last evaluated 2023-12-11.

Allele frequency attached by ClinVar (database versions not stated): gnomAD 0.00016.
gnomAD v4.1: 132 of 1,421,756 alleles (0.0093%); highest among the groups gnomAD compares: Middle Eastern, 0.22%; no homozygotes.

Submissions (3):

Labcorp Genetics (formerly Invitae), Labcorp
Classification: Uncertain significance. Last evaluated: 2023-12-11. Review status: criteria provided, single submitter. Criteria: Invitae Variant Classification Sherloc (09022015). Collection method: clinical testing. Allele origin: germline.
Comment: This sequence change replaces leucine, which is neutral and non-polar, with valine, which is neutral and non-polar, at codon 8 of the MTPAP protein (p.Leu8Val). The frequency data for this variant in the population databases is considered unreliable, as metrics indicate poor data quality at this position in the gnomAD database. This variant has not been reported in the literature in individuals affected with MTPAP-related conditions. ClinVar contains an entry for this variant (Variation ID: 1427104). An algorithm developed to predict the effect of missense changes on protein structure and function (PolyPhen-2) suggests that this variant¬†is likely to be tolerated. In summary, the available evidence is currently insufficient to determine the role of this variant in disease. Therefore, it has been classified as a Variant of Uncertain Significance.

GeneDx
Classification: Uncertain significance. Last evaluated: 2022-11-10. Review status: criteria provided, single submitter. Criteria: GeneDx Variant Classification Process June 2021. Collection method: clinical testing. Allele origin: germline. Affected: yes.
Comment: In silico analysis supports that this missense variant does not alter protein structure/function; Has not been previously published as pathogenic or benign to our knowledge

Breakthrough Genomics
Classification: Uncertain significance. Review status: criteria provided, single submitter. Criteria: ACMG Guidelines, 2015. Collection method: not provided. Allele origin: germline. Inheritance: Autosomal recessive inheritance. Affected: yes.

NM_018109.4(MTPAP):c.22C>G (p.Leu8Val)

Genes: MTPAP (mitochondrial poly(A) polymerase; minus strand), LOC130003598 (ATAC-STARR-seq lymphoblastoid active region 3207; plus strand). Cytogenetic location: 10p11.23.
Variant type: single nucleotide variant.
Coding change: c.22C>G on transcript NM_018109.4 (MANE Select); coding-DNA position 22, C replaced by G.
Protein change: p.Leu8Val; replaces leucine 8 with valine.
Molecular consequence: missense variant.
Genome position (GRCh38, 1-based): chr10:30,349,254, G>C on the plus strand (C>G on the coding strand, the complement: MTPAP is on the minus strand). VCF-style: chr10-30349254-G-C. GRCh37 (hg19) VCF-style: chr10-30638183-G-C.
Other names: short protein forms L8V.
Identifiers: ClinVar variation 1427104 (VCV001427104.6), dbSNP rs745315628, ClinGen allele CA5459300.